The following is an entry in ClinVar:

NM_001851.6(COL9A1):c.1586G>A (p.Gly529Asp)

Gene: COL9A1 (collagen type IX alpha 1 chain; minus strand). Cytogenetic location: 6q13.
Variant type: single nucleotide variant.
Coding change: c.1586G>A on transcript NM_001851.6 (MANE Select); coding-DNA position 1586, G replaced by A.
Protein change: p.Gly529Asp; replaces glycine 529 with aspartic acid.
Molecular consequence: missense variant. On other transcripts: non-coding transcript variant (1).
Genome position (GRCh38, 1-based): chr6:70,255,175, C>T on the plus strand (G>A on the coding strand, the complement: COL9A1 is on the minus strand). VCF-style: chr6-70255175-C-T. GRCh37 (hg19) VCF-style: chr6-70964878-C-T.
Other names: c.857G>A, p.Gly286Asp (NM_001377289.1, NM_001377290.1, NM_078485.4); short protein forms G529D, G286D.
Identifiers: ClinVar variation 2096438 (VCV002096438.3), dbSNP rs1771199378, ClinGen allele CA364677841.

ClinVar aggregate classification (germline): Uncertain significance (1 of 4 stars; one submission).

gnomAD v4.1: 4 of 1,614,094 alleles (0.00025%); highest among the groups gnomAD compares: Non-Finnish European, 0.00034%; no homozygotes.

Submission:

Labcorp Genetics (formerly Invitae), Labcorp
Classification: Uncertain significance. Last evaluated: 2022-02-18. Review status: criteria provided, single submitter. Criteria: Invitae Variant Classification Sherloc (09022015). Collection method: clinical testing. Allele origin: germline.
Comment: In summary, the available evidence is currently insufficient to determine the role of this variant in disease. Therefore, it has been classified as a Variant of Uncertain Significance. Advanced modeling of protein sequence and biophysical properties (such as structural, functional, and spatial information, amino acid conservation, physicochemical variation, residue mobility, and thermodynamic stability) performed at Invitae indicates that this missense variant is expected to disrupt COL9A1 protein function. This variant has not been reported in the literature in individuals affected with COL9A1-related conditions. This variant is not present in population databases (gnomAD no frequency). This sequence change replaces glycine, which is neutral and non-polar, with aspartic acid, which is acidic and polar, at codon 529 of the COL9A1 protein (p.Gly529Asp).